The following is an entry in ClinVar:

NM_000760.4(CSF3R):c.1348_1349delinsAT (p.Glu450Met)

Gene: CSF3R (colony stimulating factor 3 receptor; minus strand). Cytogenetic location: 1p34.3.
Variant type: Indel.
Coding change: c.1348_1349delinsAT on transcript NM_000760.4 (MANE Select); coding-DNA positions 1348 to 1349, GA replaced by AT.
Protein change: p.Glu450Met; replaces glutamic acid 450 with methionine.
Molecular consequence: missense variant.
Genome position (GRCh38, 1-based): chr1:36,469,777-36,469,778, TC replaced by AT on the plus strand (GA replaced by AT on the coding strand, the reverse complement: CSF3R is on the minus strand). VCF-style: chr1-36469777-TC-AT. GRCh37 (hg19) VCF-style: chr1-36935378-TC-AT.
Other names: c.1348_1349delinsAT, p.Glu450Met (NM_156039.3, NM_172313.3); short protein forms E450M.
Identifiers: ClinVar variation 2122664 (VCV002122664.4), dbSNP rs2521758672, ClinGen allele CA2580062703.

ClinVar aggregate classification (germline): Uncertain significance (1 of 4 stars; one submission).

Conditions:
Autosomal recessive severe congenital neutropenia due to CSF3R deficiency. Also called: Neutropenia, severe congenital, 7, autosomal recessive. Identifiers: Orphanet 420702, MedGen C4310764, MONDO:0014865, OMIM 617014.

Submission:

Labcorp Genetics (formerly Invitae), Labcorp
Classification: Uncertain significance for Autosomal recessive severe congenital neutropenia due to CSF3R deficiency. Last evaluated: 2022-04-07. Review status: criteria provided, single submitter. Criteria: Invitae Variant Classification Sherloc (09022015). Collection method: clinical testing. Allele origin: germline.
Comment: This variant has not been reported in the literature in individuals affected with CSF3R-related conditions. In summary, the available evidence is currently insufficient to determine the role of this variant in disease. Therefore, it has been classified as a Variant of Uncertain Significance. Algorithms developed to predict the effect of missense changes on protein structure and function are either unavailable or do not agree on the potential impact of this missense change (SIFT: "Not Available"; PolyPhen-2: "Probably Damaging"; Align-GVGD: "Not Available"). Information on the frequency of this variant in the gnomAD database is not available, as this variant may be reported differently in the database. This sequence change replaces glutamic acid, which is acidic and polar, with methionine, which is neutral and non-polar, at codon 450 of the CSF3R protein (p.Glu450Met).